The following is an entry in ClinVar:

NM_020812.4(DOCK6):c.1105-1G>T

Gene: DOCK6 (dedicator of cytokinesis 6; minus strand). Cytogenetic location: 19p13.2.
Variant type: single nucleotide variant.
Coding change: c.1105-1G>T on transcript NM_020812.4 (MANE Select); the canonical splice acceptor site of the intron before coding-DNA position 1105, G replaced by T.
Molecular consequence: splice acceptor variant.
Genome position (GRCh38, 1-based): chr19:11,243,711, C>A on the plus strand (G>T on the coding strand, the complement: DOCK6 is on the minus strand). VCF-style: chr19-11243711-C-A. GRCh37 (hg19) VCF-style: chr19-11354387-C-A.
Other names: c.1105-1G>T (NM_001367830.1).
Identifiers: ClinVar variation 2885079 (VCV002885079.3), dbSNP rs954138495, ClinGen allele CA305341679.

ClinVar aggregate classification (germline): Likely pathogenic (1 of 4 stars; one submission).

Submission:

Labcorp Genetics (formerly Invitae), Labcorp
Classification: Likely pathogenic. Last evaluated: 2025-10-13. Review status: criteria provided, single submitter. Criteria: Invitae Variant Classification Sherloc (09022015). Collection method: clinical testing. Allele origin: germline.
Comment: This sequence change affects an acceptor splice site in intron 10 of the DOCK6 gene. It is expected to disrupt RNA splicing. Variants that disrupt the donor or acceptor splice site typically lead to a loss of protein function (PMID: 16199547), and loss-of-function variants in DOCK6 are known to be pathogenic (PMID: 21820096, 25824905). This variant is not present in population databases (gnomAD no frequency). This variant has not been reported in the literature in individuals affected with DOCK6-related conditions. ClinVar contains an entry for this variant (Variation ID: 2885079). Algorithms developed to predict the effect of sequence changes on RNA splicing suggest that this variant may disrupt the consensus splice site. In summary, the currently available evidence indicates that the variant is pathogenic, but additional data are needed to prove that conclusively. Therefore, this variant has been classified as Likely Pathogenic.

Literature cited by the submitters: PubMed 16199547; PubMed 21820096; PubMed 25824905.